The following is an entry in ClinVar:

ClinVar aggregate classification (germline): Uncertain significance (1 of 4 stars; one submission).

Conditions:
Developmental and epileptic encephalopathy 94 (DEE94). Also called: CHD2-Related Neurodevelopmental Disorders; Epileptic encephalopathy, childhood-onset. Identifiers: Orphanet 1942, Orphanet 2382, MedGen C3809278, MONDO:0014150, OMIM 615369.

Allele frequency attached by ClinVar (database versions not stated): gnomAD exomes below 0.00001; ExAC 0.00001.
gnomAD v4.1: 6 of 1,614,066 alleles (0.00037%); highest among the groups gnomAD compares: Non-Finnish European, 0.00051%; no homozygotes.

Submission:

Labcorp Genetics (formerly Invitae), Labcorp
Classification: Uncertain significance for Developmental and epileptic encephalopathy 94. Last evaluated: 2022-08-31. Review status: criteria provided, single submitter. Criteria: Invitae Variant Classification Sherloc (09022015). Collection method: clinical testing. Allele origin: germline.
Comment: In summary, the available evidence is currently insufficient to determine the role of this variant in disease. Therefore, it has been classified as a Variant of Uncertain Significance. Advanced modeling of protein sequence and biophysical properties (such as structural, functional, and spatial information, amino acid conservation, physicochemical variation, residue mobility, and thermodynamic stability) performed at Invitae indicates that this missense variant is not expected to disrupt CHD2 protein function. ClinVar contains an entry for this variant (Variation ID: 1372963). This sequence change replaces histidine, which is basic and polar, with tyrosine, which is neutral and polar, at codon 1663 of the CHD2 protein (p.His1663Tyr). This variant is present in population databases (rs746965265, gnomAD 0.0009%). This variant has not been reported in the literature in individuals affected with CHD2-related conditions.

NM_001271.4(CHD2):c.4987C>T (p.His1663Tyr)

Gene: CHD2 (chromodomain helicase DNA binding protein 2; plus strand). Cytogenetic location: 15q26.1.
Variant type: single nucleotide variant.
Coding change: c.4987C>T on transcript NM_001271.4 (MANE Select); coding-DNA position 4987, C replaced by T.
Protein change: p.His1663Tyr; replaces histidine 1663 with tyrosine.
Molecular consequence: missense variant.
Genome position (GRCh38, 1-based): chr15:93,020,092, C>T. VCF-style: chr15-93020092-C-T. GRCh37 (hg19) VCF-style: chr15-93563322-C-T.
Other names: short protein forms H1663Y.
Identifiers: ClinVar variation 1372963 (VCV001372963.8), dbSNP rs746965265, ClinGen allele CA7748616.